The following is an entry in ClinVar:

NM_020401.4(NUP107):c.304-45_341dup

Gene: NUP107 (nucleoporin 107; plus strand). Cytogenetic location: 12q15.
Variant type: Duplication.
Coding change: c.304-45_341dup on transcript NM_020401.4 (MANE Select); 45 bases into the intron before coding-DNA position 304 through coding-DNA position 341, 83 bases duplicated.
Molecular consequence: splice acceptor variant.
Genome position (GRCh38, 1-based): chr12:68,691,923-68,692,005, 83 bases duplicated. GRCh37 (hg19): chr12:69,085,703-69,085,785.
Other names: c.217-45_254dup (NM_001330192.2).
Identifiers: ClinVar variation 4081564 (VCV004081564.3).

ClinVar aggregate classification (germline): Likely pathogenic. Review status: criteria provided, multiple submitters, no conflicts (2 of 4 stars). 2 submissions from 2 submitters: Likely pathogenic (2). Last evaluated 2025-11-04.

Submissions (2):

Dasa
Classification: Likely pathogenic. Last evaluated: 2025-11-04. Review status: criteria provided, single submitter. Criteria: DASA Assertion Criteria. Collection method: clinical testing. Allele origin: germline.
Comment: NM_020401.4(NUP107):c.304-45_341dup (p.Phe114Leufs*45) is an intronic variant. Loss of function is an established disease mechanism for NUP107-associated disorders. Also, this variant is rare in population databases. Based on the currently available evidence, this variant is classified as likely pathogenic.

Revvity Omics, Revvity
Classification: Likely pathogenic. Last evaluated: 2024-09-10. Review status: criteria provided, single submitter. Criteria: ACMG Guidelines, 2015. Collection method: clinical testing. Allele origin: germline.